The following is an entry in ClinVar:

ClinVar aggregate classification (germline): Uncertain significance (1 of 4 stars; one submission).

Conditions:
Immunodeficiency 39 (IMD39). Identifiers: Orphanet 574918, MedGen C4225358, MONDO:0014597, OMIM 616345.

gnomAD v4.1: 38 of 1,612,268 alleles (0.0024%); highest among the groups gnomAD compares: Middle Eastern, 0.017%; no homozygotes.

Submission:

Labcorp Genetics (formerly Invitae), Labcorp
Classification: Uncertain significance for Immunodeficiency 39. Last evaluated: 2024-10-07. Review status: criteria provided, single submitter. Criteria: Invitae Variant Classification Sherloc (09022015). Collection method: clinical testing. Allele origin: germline.
Comment: This sequence change replaces arginine, which is basic and polar, with leucine, which is neutral and non-polar, at codon 480 of the IRF7 protein (p.Arg480Leu). This variant is present in population databases (rs762132411, gnomAD 0.004%). This variant has not been reported in the literature in individuals affected with IRF7-related conditions. ClinVar contains an entry for this variant (Variation ID: 656675). Invitae Evidence Modeling of protein sequence and biophysical properties (such as structural, functional, and spatial information, amino acid conservation, physicochemical variation, residue mobility, and thermodynamic stability) indicates that this missense variant is expected to disrupt IRF7 protein function with a positive predictive value of 80%. In summary, the available evidence is currently insufficient to determine the role of this variant in disease. Therefore, it has been classified as a Variant of Uncertain Significance.

NM_001572.5(IRF7):c.1400G>T (p.Arg467Leu)

Gene: IRF7 (interferon regulatory factor 7; minus strand). Cytogenetic location: 11p15.5.
Variant type: single nucleotide variant.
Coding change: c.1400G>T on transcript NM_001572.5 (MANE Select); coding-DNA position 1400, G replaced by T.
Protein change: p.Arg467Leu; replaces arginine 467 with leucine.
Molecular consequence: missense variant.
Genome position (GRCh38, 1-based): chr11:612,757, C>A on the plus strand (G>T on the coding strand, the complement: IRF7 is on the minus strand). VCF-style: chr11-612757-C-A. GRCh37 (hg19) VCF-style: chr11-612757-C-A.
Other names: c.1400G>T, p.Arg467Leu (LRG_1313t1); c.1313G>T, p.Arg438Leu (NM_004029.4); c.1439G>T, p.Arg480Leu (NM_004031.4); short protein forms R480L, R438L, R467L.
Identifiers: ClinVar variation 656675 (VCV000656675.8), dbSNP rs762132411, ClinGen allele CA5783449.